The following is an entry in ClinVar:

ClinVar aggregate classification (germline): Uncertain significance. Review status: criteria provided, single submitter (1 of 4 stars). 2 submissions from 2 submitters: Uncertain significance (1). 1 of the submissions does not count toward it. Last evaluated 2024-07-23.

Conditions:
UCP3-related disorder. Also called: UCP3-related condition.

gnomAD v4.1: 2 of 1,613,860 alleles (0.00012%); highest among the groups gnomAD compares: Non-Finnish European, 0.000085%; no homozygotes.

Submissions (2):

Labcorp Genetics (formerly Invitae), Labcorp
Classification: Uncertain significance. Last evaluated: 2024-07-23. Review status: criteria provided, single submitter. Criteria: Invitae Variant Classification Sherloc (09022015). Collection method: clinical testing. Allele origin: germline.
Comment: This sequence change replaces alanine, which is neutral and non-polar, with valine, which is neutral and non-polar, at codon 83 of the UCP3 protein (p.Ala83Val). This variant is not present in population databases (gnomAD no frequency). This variant has not been reported in the literature in individuals affected with UCP3-related conditions. Advanced modeling of protein sequence and biophysical properties (such as structural, functional, and spatial information, amino acid conservation, physicochemical variation, residue mobility, and thermodynamic stability) performed at Invitae indicates that this missense variant is not expected to disrupt UCP3 protein function with a negative predictive value of 80%. In summary, the available evidence is currently insufficient to determine the role of this variant in disease. Therefore, it has been classified as a Variant of Uncertain Significance.

PreventionGenetics, part of Exact Sciences
Classification: Uncertain significance for UCP3-related condition. Last evaluated: 2024-03-01. Review status: no assertion criteria provided. Collection method: clinical testing. Allele origin: germline. Not counted in ClinVar's aggregate classification.
Comment: The UCP3 c.248C>T variant is predicted to result in the amino acid substitution p.Ala83Val. To our knowledge, this variant has not been reported in the literature or in a large population database, indicating this variant is rare. At this time, the clinical significance of this variant is uncertain due to the absence of conclusive functional and genetic evidence.

NM_003356.4(UCP3):c.248C>T (p.Ala83Val)

Gene: UCP3 (uncoupling protein 3; minus strand). Cytogenetic location: 11q13.4.
Variant type: single nucleotide variant.
Coding change: c.248C>T on transcript NM_003356.4 (MANE Select); coding-DNA position 248, C replaced by T.
Protein change: p.Ala83Val; replaces alanine 83 with valine.
Molecular consequence: missense variant.
Genome position (GRCh38, 1-based): chr11:74,006,258, G>A on the plus strand (C>T on the coding strand, the complement: UCP3 is on the minus strand). VCF-style: chr11-74006258-G-A. GRCh37 (hg19) VCF-style: chr11-73717303-G-A.
Other names: c.248C>T, p.Ala83Val (NM_022803.3); short protein forms A83V.
Identifiers: ClinVar variation 3348232 (VCV003348232.3).